The following is an entry in ClinVar:

NM_019023.5(PRMT7):c.732G>A (p.Val244=)

Gene: PRMT7 (protein arginine methyltransferase 7; plus strand). Cytogenetic location: 16q22.1.
Variant type: single nucleotide variant.
Coding change: c.732G>A on transcript NM_019023.5 (MANE Select); coding-DNA position 732, G replaced by A.
Protein change: p.Val244=; no amino-acid change (valine 244 retained).
Molecular consequence: synonymous variant. On other transcripts: non-coding transcript variant (12).
Genome position (GRCh38, 1-based): chr16:68,339,549, G>A. VCF-style: chr16-68339549-G-A. GRCh37 (hg19) VCF-style: chr16-68373452-G-A.
Other names: c.582G>A, p.Val194= (NM_001184824.4); c.732G>A, p.Val244= (NM_001290018.2, NM_001351143.3, NM_001351144.3 and 1 more transcripts); c.525G>A, p.Val175= (NM_001378020.1); c.495G>A, p.Val165= (NM_001378021.1, NM_001378022.1, NM_001378023.1).
Identifiers: ClinVar variation 712114 (VCV000712114.34), dbSNP rs147342179, ClinGen allele CA8127195.
Genomic context (GRCh38, chr16:68,339,549, plus strand): 5'-TGTCTGTGACATTCAGCTGAACCAGGTGTCACCAGCCGACTTTACAGTCCTCAGCGATGT[G>A]CTGCCCATGTTCAGGTACCAAGGAGCCACCATAGGTGATGGCGCTTTGAGACATTTGATG-3'
Protein context (NP_061896.1, residues 234-254): SPADFTVLSD[Val244=]LPMFSIDFSK

ClinVar aggregate classification (germline): Benign/Likely benign. Review status: criteria provided, multiple submitters, no conflicts (2 of 4 stars). 4 submissions from 4 submitters: Benign (1); Likely benign (2). 1 of the submissions does not count toward it. Last evaluated 2026-08-01.

Conditions:
PRMT7-related disorder. Also called: PRMT7-related condition.

Allele frequency attached by ClinVar (database versions not stated): gnomAD 0.00083 and 0.00086; ESP Exome Variant Server 0.00085; ExAC 0.00108; TOPMed 0.00113; 1000 Genomes Project 0.00120; 1000 Genomes Project 30x 0.00125.
gnomAD v4.1: 1,935 of 1,613,672 alleles (0.12%); highest among the groups gnomAD compares: Admixed American, 0.33%; 4 homozygotes.

Submissions (4):

CeGaT Center for Human Genetics Tuebingen
Classification: Likely benign. Last evaluated: 2026-08-01. Review status: criteria provided, single submitter. Criteria: CeGaT Center For Human Genetics Tuebingen Variant Classification Criteria Version 2. Collection method: clinical testing. Allele origin: germline. Affected: yes. Observed: 4 variant alleles.
Comment: PRMT7: BP4, BP7

Labcorp Genetics (formerly Invitae), Labcorp
Classification: Benign. Last evaluated: 2025-11-25. Review status: criteria provided, single submitter. Criteria: Invitae Variant Classification Sherloc (09022015). Collection method: clinical testing. Allele origin: germline.

Blueprint Genetics
Classification: Likely benign. Last evaluated: 2024-11-19. Review status: criteria provided, single submitter. Criteria: ACMG Guidelines, 2015. Collection method: clinical testing. Allele origin: germline.

PreventionGenetics, part of Exact Sciences
Classification: Likely benign for PRMT7-related condition. Last evaluated: 2019-05-09. Review status: no assertion criteria provided. Collection method: clinical testing. Allele origin: germline. Not counted in ClinVar's aggregate classification.
Comment: This variant is classified as likely benign based on ACMG/AMP sequence variant interpretation guidelines (Richards et al. 2015 PMID: 25741868, with internal and published modifications).